The following is an entry in ClinVar:

ClinVar aggregate classification (germline): Uncertain significance (1 of 4 stars; one submission).

Conditions:
Immunodeficiency, common variable, 2 (CVID2). Also called: ANTIBODY DEFICIENCY DUE TO TACI DEFECT; HYPOGAMMAGLOBULINEMIA DUE TO TACI DEFICIENCY. Identifiers: Orphanet 1572, MedGen C3150354, MONDO:0009413, OMIM 240500.

Allele frequency attached by ClinVar (database versions not stated): gnomAD 0.00001; ExAC 0.00003; gnomAD exomes 0.00007; ESP Exome Variant Server 0.00008.

Submission:

Labcorp Genetics (formerly Invitae), Labcorp
Classification: Uncertain significance for Immunodeficiency, common variable, 2. Last evaluated: 2023-04-24. Review status: criteria provided, single submitter. Criteria: Invitae Variant Classification Sherloc (09022015). Collection method: clinical testing. Allele origin: germline.
Comment: Advanced modeling of protein sequence and biophysical properties (such as structural, functional, and spatial information, amino acid conservation, physicochemical variation, residue mobility, and thermodynamic stability) performed at Invitae indicates that this missense variant is not expected to disrupt TNFRSF13B protein function. In summary, the available evidence is currently insufficient to determine the role of this variant in disease. Therefore, it has been classified as a Variant of Uncertain Significance. ClinVar contains an entry for this variant (Variation ID: 2173595). This variant has not been reported in the literature in individuals affected with TNFRSF13B-related conditions. This variant is present in population databases (rs372816963, gnomAD 0.01%). This sequence change replaces alanine, which is neutral and non-polar, with threonine, which is neutral and polar, at codon 245 of the TNFRSF13B protein (p.Ala245Thr).

NM_012452.3(TNFRSF13B):c.733G>A (p.Ala245Thr)

Gene: TNFRSF13B (TNF receptor superfamily member 13B; minus strand). Cytogenetic location: 17p11.2.
Variant type: single nucleotide variant.
Coding change: c.733G>A on transcript NM_012452.3 (MANE Select); coding-DNA position 733, G replaced by A.
Protein change: p.Ala245Thr; replaces alanine 245 with threonine.
Molecular consequence: missense variant.
Genome position (GRCh38, 1-based): chr17:16,939,696, C>T on the plus strand (G>A on the coding strand, the complement: TNFRSF13B is on the minus strand). VCF-style: chr17-16939696-C-T. GRCh37 (hg19) VCF-style: chr17-16843010-C-T.
Other names: short protein forms A245T.
Identifiers: ClinVar variation 2173595 (VCV002173595.2), dbSNP rs372816963, ClinGen allele CA8413864.